The following is an entry in ClinVar:

NM_001267550.2(TTN):c.78431T>C (p.Ile26144Thr)

Genes: TTN (titin; minus strand), TTN-AS1 (TTN antisense RNA 1; plus strand). Cytogenetic location: 2q31.2.
Variant type: single nucleotide variant.
Coding change: c.78431T>C on transcript NM_001267550.2 (MANE Select); coding-DNA position 78431, T replaced by C.
Protein change: p.Ile26144Thr; replaces isoleucine 26144 with threonine.
Molecular consequence: missense variant.
Genome position (GRCh38, 1-based): chr2:178,567,701, A>G on the plus strand (T>C on the coding strand, the complement: TTN is on the minus strand). VCF-style: chr2-178567701-A-G. GRCh37 (hg19) VCF-style: chr2-179432428-A-G.
Other names: c.73508T>C, p.Ile24503Thr (NM_001256850.1); c.51236T>C, p.Ile17079Thr (NM_003319.4); c.70727T>C, p.Ile23576Thr (NM_133378.4); c.51611T>C, p.Ile17204Thr (NM_133432.3); c.51812T>C, p.Ile17271Thr (NM_133437.4); short protein forms I26144T, I17079T, I17204T, I17271T, I23576T, I24503T.
Identifiers: ClinVar variation 467511 (VCV000467511.11), dbSNP rs183015944, ClinGen allele CA1989604.

ClinVar aggregate classification (germline): Conflicting classifications of pathogenicity. Review status: criteria provided, conflicting classifications (1 of 4 stars). 10 submissions from 6 submitters: Uncertain significance (5); Benign (2); Likely benign (3). Last evaluated 2025-11-18.

Conditions:
TTN-related disorder. Also called: TTN-related condition; TTN-related disease; TTN-related disorders.
Autosomal recessive limb-girdle muscular dystrophy type 2J (LGMDR10). Also called: Limb-girdle muscular dystrophy, type 2J; MUSCULAR DYSTROPHY, LIMB-GIRDLE, AUTOSOMAL RECESSIVE 10. Identifiers: Orphanet 140922, MedGen C1837342, MONDO:0012127, OMIM 608807.
Dilated cardiomyopathy 1G (CMD1G). Identifiers: Orphanet 154, MedGen C1858763, MONDO:0011400, OMIM 604145.
Myopathy, myofibrillar, 9, with early respiratory failure (MFM9). Also called: Hereditary myopathy with early respiratory failure; MYOPATHY, PROXIMAL, WITH EARLY RESPIRATORY MUSCLE INVOLVEMENT; EDSTROM MYOPATHY; Myopathy, distal, with early respiratory failure, autosomal dominant. Identifiers: Orphanet 178464, Orphanet 34521, MedGen C1863599, MONDO:0011362, OMIM 603689.
Early-onset myopathy with fatal cardiomyopathy (CMYO5). Also called: Salih Myopathy; CONGENITAL MYOPATHY 5 WITH CARDIOMYOPATHY. Identifiers: Orphanet 289377, MedGen C2673677, MONDO:0012714, OMIM 611705. Disease mechanism: loss of function.
Tibial muscular dystrophy (TMD). Also called: Udd Distal Myopathy – Tibial Muscular Dystrophy; UDD MYOPATHY; Tibial muscular dystrophy, tardive. Identifiers: Orphanet 609, MedGen C1838244, MONDO:0010870, OMIM 600334.

Allele frequency attached by ClinVar (database versions not stated): gnomAD 0.00005 and 0.00006; TOPMed 0.00005; ExAC 0.00015; 1000 Genomes Project 30x 0.00016; gnomAD exomes 0.00017; 1000 Genomes Project 0.00020.
gnomAD v4.1: 100 of 1,611,852 alleles (0.0062%); highest among the groups gnomAD compares: South Asian, 0.057%; 2 homozygotes.

Submissions (10):

PreventionGenetics, part of Exact Sciences
Classification: Uncertain significance for TTN-related condition. Last evaluated: 2025-11-18. Review status: criteria provided, single submitter. Criteria: ACMG Guidelines, 2015. Collection method: clinical testing. Allele origin: germline.
Comment: The TTN c.78431T>C variant is predicted to result in the amino acid substitution p.Ile26144Thr. To our knowledge, this variant has not been reported in the literature. This variant is reported in 0.069% of alleles in individuals of South Asian descent in gnomAD. Although we suspect that this variant may be benign, at this time, the clinical significance of this variant is uncertain due to the absence of conclusive functional and genetic evidence.

Molecular Diagnostic Laboratory for Inherited Cardiovascular Disease, Montreal Heart Institute
Classification: Likely benign. Last evaluated: 2025-04-09. Review status: criteria provided, single submitter. Criteria: ACMG Guidelines, 2015. Collection method: clinical testing. Allele origin: germline. Affected: no.
Comment: BP1

Blueprint Genetics
Classification: Likely benign. Last evaluated: 2021-10-13. Review status: criteria provided, single submitter. Criteria: ACMG Guidelines, 2015. Collection method: clinical testing. Allele origin: germline.

GeneDx
Classification: Likely benign. Last evaluated: 2018-05-22. Review status: criteria provided, single submitter. Criteria: GeneDx Variant Classification (06012015). Collection method: clinical testing. Allele origin: germline. Affected: yes.
Comment: This variant is considered likely benign or benign based on one or more of the following criteria: it is a conservative change, it occurs at a poorly conserved position in the protein, it is predicted to be benign by multiple in silico algorithms, and/or has population frequency not consistent with disease.

Illumina Laboratory Services, Illumina
Classification: Uncertain significance for Dilated cardiomyopathy 1G. Last evaluated: 2018-05-17. Review status: criteria provided, single submitter. Criteria: ICSL Variant Classification Criteria 13 December 2019. Collection method: clinical testing. Allele origin: germline.

Illumina Laboratory Services, Illumina
Classification: Uncertain significance for Early-onset myopathy with fatal cardiomyopathy. Last evaluated: 2018-05-17. Review status: criteria provided, single submitter. Criteria: ICSL Variant Classification Criteria 13 December 2019. Collection method: clinical testing. Allele origin: germline.

Illumina Laboratory Services, Illumina
Classification: Uncertain significance for Autosomal recessive limb-girdle muscular dystrophy type 2J. Last evaluated: 2018-05-17. Review status: criteria provided, single submitter. Criteria: ICSL Variant Classification Criteria 13 December 2019. Collection method: clinical testing. Allele origin: germline.

Illumina Laboratory Services, Illumina
Classification: Benign for Myopathy, myofibrillar, 9, with early respiratory failure. Last evaluated: 2018-05-16. Review status: criteria provided, single submitter. Criteria: ICSL Variant Classification Criteria 13 December 2019. Collection method: clinical testing. Allele origin: germline.
Comment: This variant was observed in the ICSL laboratory as part of a predisposition screen in an ostensibly healthy population. It had not been previously curated by ICSL or reported in the Human Gene Mutation Database (HGMD: prior to June 1st, 2018), and was therefore a candidate for classification through an automated scoring system. Utilizing variant allele frequency, disease prevalence and penetrance estimates, and inheritance mode, an automated score was calculated to assess if this variant is too frequent to cause the disease. Based on the score and internal cut-off values, a variant classified as benign is not then subjected to further curation. The score for this variant resulted in a classification of benign for this disease.

Illumina Laboratory Services, Illumina
Classification: Benign for Tibial muscular dystrophy. Last evaluated: 2018-05-16. Review status: criteria provided, single submitter. Criteria: ICSL Variant Classification Criteria 13 December 2019. Collection method: clinical testing. Allele origin: germline.
Comment: the same text as in the submission from Illumina Laboratory Services, Illumina above.

Labcorp Genetics (formerly Invitae), Labcorp
Classification: Uncertain significance for Dilated cardiomyopathy 1G; Autosomal recessive limb-girdle muscular dystrophy type 2J. Last evaluated: 2017-07-04. Review status: criteria provided, single submitter. Criteria: Invitae Variant Classification Sherloc (09022015). Collection method: clinical testing. Allele origin: germline.